The following is an entry in ClinVar:

NM_001378457.1(DMXL2):c.3757T>G (p.Ser1253Ala)

Gene: DMXL2 (Dmx like 2; minus strand). Cytogenetic location: 15q21.2.
Variant type: single nucleotide variant.
Coding change: c.3757T>G on transcript NM_001378457.1 (MANE Select); coding-DNA position 3757, T replaced by G.
Protein change: p.Ser1253Ala; replaces serine 1253 with alanine.
Molecular consequence: missense variant. On other transcripts: non-coding transcript variant (2), intron variant (2).
Genome position (GRCh38, 1-based): chr15:51,499,467, A>C on the plus strand (T>G on the coding strand, the complement: DMXL2 is on the minus strand). VCF-style: chr15-51499467-A-C. GRCh37 (hg19) VCF-style: chr15-51791664-A-C.
Other names: c.3757T>G, p.Ser1253Ala (NM_001174116.3, NM_001378458.1, NM_001378459.1 and 4 more transcripts); c.3517T>G, p.Ser1173Ala (NM_001378464.1); c.2764+7667T>G (NM_001378460.1); c.2765-4333T>G (NM_001174117.3); short protein forms S1173A, S1253A.
Identifiers: ClinVar variation 2719516 (VCV002719516.1), dbSNP rs751230714, ClinGen allele CA7562125.

ClinVar aggregate classification (germline): Uncertain significance (1 of 4 stars; one submission).

Allele frequency attached by ClinVar (database versions not stated): gnomAD 0.00001; gnomAD exomes 0.00001; ExAC 0.00002; TOPMed 0.00002.
gnomAD v4.1: 12 of 1,613,966 alleles (0.00074%); highest among the groups gnomAD compares: Admixed American, 0.005%; no homozygotes.

Submission:

Labcorp Genetics (formerly Invitae), Labcorp
Classification: Uncertain significance. Last evaluated: 2024-01-15. Review status: criteria provided, single submitter. Criteria: Invitae Variant Classification Sherloc (09022015). Collection method: clinical testing. Allele origin: germline.
Comment: This sequence change replaces serine, which is neutral and polar, with alanine, which is neutral and non-polar, at codon 1253 of the DMXL2 protein (p.Ser1253Ala). This variant is present in population databases (rs751230714, gnomAD 0.006%). This variant has not been reported in the literature in individuals affected with DMXL2-related conditions. An algorithm developed to predict the effect of missense changes on protein structure and function (PolyPhen-2) suggests that this variant is likely to be disruptive. In summary, the available evidence is currently insufficient to determine the role of this variant in disease. Therefore, it has been classified as a Variant of Uncertain Significance.